The following is an entry in ClinVar:

NM_001987.5(ETV6):c.1274A>G (p.Glu425Gly)

Gene: ETV6 (ETS variant transcription factor 6; plus strand). Cytogenetic location: 12p13.2.
Variant type: single nucleotide variant.
Coding change: c.1274A>G on transcript NM_001987.5 (MANE Select); coding-DNA position 1274, A replaced by G.
Protein change: p.Glu425Gly; replaces glutamic acid 425 with glycine.
Molecular consequence: missense variant. On other transcripts: 3 prime UTR variant (1).
Genome position (GRCh38, 1-based): chr12:11,890,961, A>G. VCF-style: chr12-11890961-A-G. GRCh37 (hg19) VCF-style: chr12-12043895-A-G.
Other names: c.1271A>G, p.Glu424Gly (NM_001413913.1); c.1247A>G, p.Glu416Gly (NM_001413914.1); c.1010A>G, p.Glu337Gly (NM_001413915.1); c.*13A>G (NM_001413917.1); short protein forms E337G, E424G, E416G, E425G.
Identifiers: ClinVar variation 5036133 (VCV005036133.1).

ClinVar aggregate classification (germline): Uncertain significance (1 of 4 stars; one submission).

Conditions:
Inborn genetic diseases. Identifiers: MedGen C0950123, MeSH D030342.

Submission:

Ambry Genetics
Classification: Uncertain significance for Inborn genetic diseases. Last evaluated: 2026-06-22. Review status: criteria provided, single submitter. Criteria: Ambry Variant Classification Scheme 2023. Collection method: clinical testing. Allele origin: germline.
Comment: The p.E425G variant (also known as c.1274A>G), located in coding exon 8 of the ETV6 gene, results from an A to G substitution at nucleotide position 1274. The glutamic acid at codon 425 is replaced by glycine, an amino acid with similar properties. This amino acid position is highly conserved in available vertebrate species. In addition, this alteration is predicted to be deleterious by in silico analysis. Based on the available evidence, the clinical significance of this variant remains unclear.